The following is an entry in ClinVar:

ClinVar aggregate classification (germline): Likely benign (1 of 4 stars; one submission).

Conditions:
Sessile serrated polyposis cancer syndrome (SSPCS). Identifiers: Orphanet 157798, MedGen C4310714, MONDO:0014919, OMIM 617108.

Submission:

Myriad Genetics, Inc.
Classification: Likely benign for Sessile serrated polyposis cancer syndrome. Last evaluated: 2026-06-26. Review status: criteria provided, single submitter. Criteria: Myriad Autosomal Dominant, Autosomal Recessive and X-Linked Classification Criteria (2023). Collection method: clinical testing. Allele origin: unknown.
Comment: This variant is considered likely benign. This variant is intronic and is not expected to impact mRNA splicing.

NM_017763.6(RNF43):c.850-6C>T

Gene: RNF43 (ring finger protein 43; minus strand). Cytogenetic location: 17q22.
Variant type: single nucleotide variant.
Coding change: c.850-6C>T on transcript NM_017763.6 (MANE Select); 6 bases into the intron before coding-DNA position 850, C replaced by T.
Molecular consequence: intron variant.
Genome position (GRCh38, 1-based): chr17:58,360,257, G>A on the plus strand (C>T on the coding strand, the complement: RNF43 is on the minus strand). VCF-style: chr17-58360257-G-A. GRCh37 (hg19) VCF-style: chr17-56437618-G-A.
Other names: c.850-6C>T (NM_001438822.1, NM_001305544.3, NM_001438820.1 and 1 more transcripts); c.469-6C>T (NM_001305545.2, NM_001437987.1).
Identifiers: ClinVar variation 4875750 (VCV004875750.1).